The following is an entry in ClinVar:

NM_014425.5(INVS):c.2794C>T (p.Leu932Phe)

Gene: INVS (inversin; plus strand). Cytogenetic location: 9q31.1.
Variant type: single nucleotide variant.
Coding change: c.2794C>T on transcript NM_014425.5 (MANE Select); coding-DNA position 2794, C replaced by T.
Protein change: p.Leu932Phe; replaces leucine 932 with phenylalanine.
Molecular consequence: missense variant. On other transcripts: non-coding transcript variant (1).
Genome position (GRCh38, 1-based): chr9:100,296,924, C>T. VCF-style: chr9-100296924-C-T. GRCh37 (hg19) VCF-style: chr9-103059206-C-T.
Other names: c.2506C>T, p.Leu836Phe (NM_001318381.2); c.1816C>T, p.Leu606Phe (NM_001318382.2); short protein forms L606F, L932F, L836F.
Identifiers: ClinVar variation 1438573 (VCV001438573.8), dbSNP rs2118781536, ClinGen allele CA374244953.

ClinVar aggregate classification (germline): Uncertain significance (1 of 4 stars; one submission).

Conditions:
Nephronophthisis. Also called: Juvenile Nephronophthisis. Identifiers: Orphanet 655, MedGen C0687120, MONDO:0019005, HP:0000090.

Allele frequency attached by ClinVar (database versions not stated): gnomAD exomes below 0.00001.

Submission:

Labcorp Genetics (formerly Invitae), Labcorp
Classification: Uncertain significance for Nephronophthisis. Last evaluated: 2022-06-13. Review status: criteria provided, single submitter. Criteria: Invitae Variant Classification Sherloc (09022015). Collection method: clinical testing. Allele origin: germline.
Comment: In summary, the available evidence is currently insufficient to determine the role of this variant in disease. Therefore, it has been classified as a Variant of Uncertain Significance. Algorithms developed to predict the effect of missense changes on protein structure and function are either unavailable or do not agree on the potential impact of this missense change (SIFT: "Tolerated"; PolyPhen-2: "Probably Damaging"; Align-GVGD: "Class C0"). This variant has not been reported in the literature in individuals affected with INVS-related conditions. This variant is not present in population databases (gnomAD no frequency). This sequence change replaces leucine, which is neutral and non-polar, with phenylalanine, which is neutral and non-polar, at codon 932 of the INVS protein (p.Leu932Phe).